The following is an entry in ClinVar:

NM_001165963.4(SCN1A):c.4002+2023A>G

Genes: SCN1A (sodium voltage-gated channel alpha subunit 1; minus strand), LOC102724058 (uncharacterized LOC102724058; plus strand). Cytogenetic location: 2q24.3.
Variant type: single nucleotide variant.
Coding change: c.4002+2023A>G on transcript NM_001165963.4 (MANE Select); 2023 bases into the intron after coding-DNA position 4002, A replaced by G.
Molecular consequence: intron variant.
Genome position (GRCh38, 1-based): chr2:166,007,696, T>C on the plus strand (A>G on the coding strand, the complement: SCN1A is on the minus strand). VCF-style: chr2-166007696-T-C. GRCh37 (hg19) VCF-style: chr2-166864206-T-C.
Other names: c.3969+2023A>G (NM_001353949.2, NM_001353950.2, NM_001353951.2 and 2 more transcripts); c.3918+2023A>G (NM_001353958.2, NM_001353957.2, NM_001165964.3); c.4002+2023A>G (NM_001202435.3, NM_001353948.2); c.3966+2023A>G (NM_001353955.2, NM_001353954.2); c.3915+2023A>G (NM_001353960.2); c.1560+2023A>G (NM_001353961.2).
Identifiers: ClinVar variation 1538669 (VCV001538669.9), dbSNP rs1052506764, ClinGen allele CA59771730.
Genomic context (GRCh38, chr2:166,007,696, plus strand): 5'-GATAATTTATTTGTTACTTTCTAACTTCTTATCAAGCACTGTACAACATGCTTTATTCAG[T>C]AATGTTGCATAAAAGCACATGCTTTGAAAAAATAACAGAACAACAAAAATAAAATGAGTG-3'

ClinVar aggregate classification (germline): Uncertain significance (1 of 4 stars; one submission).

Conditions:
Early-infantile DEE. Also called: Ohtahara syndrome; Early infantile epileptic encephalopathy with suppression bursts; Early infantile epileptic encephalopathy. Identifiers: Orphanet 1934, MedGen C0393706, MONDO:0800491.

Allele frequency attached by ClinVar (database versions not stated): gnomAD 0.00001; TOPMed 0.00001.
gnomAD v4.1: 1 of 151,414 alleles (0.00066%); highest among the groups gnomAD compares: African/African-American, 0.0024%; no homozygotes.

Submission:

Labcorp Genetics (formerly Invitae), Labcorp
Classification: Uncertain significance for Early-infantile DEE. Last evaluated: 2025-11-23. Review status: criteria provided, single submitter. Criteria: Invitae Variant Classification Sherloc (09022015). Collection method: clinical testing. Allele origin: germline.
Comment: This sequence change falls in intron 20 of the SCN1A gene. It does not directly change the encoded amino acid sequence of the SCN1A protein. However, this sequence change falls within a region encompassing a cryptic exon in the SCN1A gene, in which variants have been shown to alter splicing (PMID: 30526861, 34107977). This variant is not present in population databases (gnomAD no frequency). This variant has not been reported in the literature in individuals affected with SCN1A-related conditions. ClinVar contains an entry for this variant (Variation ID: 1538669). Algorithms developed to predict the effect of sequence changes on RNA splicing suggest that this variant is not likely to affect RNA splicing. In summary, the available evidence is currently insufficient to determine the role of this variant in disease. Therefore, it has been classified as a Variant of Uncertain Significance.

Literature cited by the submitters: PubMed 30526861; PubMed 34107977.